The following is an entry in ClinVar:

NM_001605.3(AARS1):c.823G>A (p.Gly275Ser)

Gene: AARS1 (alanyl-tRNA synthetase 1; minus strand). Cytogenetic location: 16q22.1.
Variant type: single nucleotide variant.
Coding change: c.823G>A on transcript NM_001605.3 (MANE Select); coding-DNA position 823, G replaced by A.
Protein change: p.Gly275Ser; replaces glycine 275 with serine.
Molecular consequence: missense variant.
Genome position (GRCh38, 1-based): chr16:70,269,757, C>T on the plus strand (G>A on the coding strand, the complement: AARS1 is on the minus strand). VCF-style: chr16-70269757-C-T. GRCh37 (hg19) VCF-style: chr16-70303660-C-T.
Other names: short protein forms G275S.
Identifiers: ClinVar variation 246223 (VCV000246223.12), dbSNP rs747142680, ClinGen allele CA8141019.

ClinVar aggregate classification (germline): Conflicting classifications of pathogenicity. Review status: criteria provided, conflicting classifications (1 of 4 stars). 3 submissions from 3 submitters: Uncertain significance (1); Likely benign (2). Last evaluated 2026-01-27.

Conditions:
Inborn genetic diseases. Identifiers: MedGen C0950123, MeSH D030342.
Charcot-Marie-Tooth disease type 2. Also called: Charcot-Marie-Tooth type 2. Identifiers: Orphanet 64746, MedGen C0270914, MONDO:0018993.

Allele frequency attached by ClinVar (database versions not stated): gnomAD 0.00002 and 0.00003; TOPMed 0.00002; gnomAD exomes 0.00010 and 0.00003; ExAC 0.00004.
gnomAD v4.1: 40 of 1,614,146 alleles (0.0025%); highest among the groups gnomAD compares: Admixed American, 0.062%; 1 homozygote.

Submissions (3):

Labcorp Genetics (formerly Invitae), Labcorp
Classification: Likely benign for Charcot-Marie-Tooth disease type 2. Last evaluated: 2026-01-27. Review status: criteria provided, single submitter. Criteria: Invitae Variant Classification Sherloc (09022015). Collection method: clinical testing. Allele origin: germline.

GeneDx
Classification: Uncertain significance. Last evaluated: 2021-06-25. Review status: criteria provided, single submitter. Criteria: GeneDx Variant Classification Process June 2021. Collection method: clinical testing. Allele origin: germline. Affected: yes.
Comment: In silico analysis supports that this missense variant has a deleterious effect on protein structure/function; Reported as a variant of uncertain significance in a case control series of individuals with inherited peripheral neuropathies (Shabhuttl et al., 2014); This variant is associated with the following publications: (PMID: 24627108, 27535533, 20045102)

Ambry Genetics
Classification: Likely benign for Inborn genetic diseases. Last evaluated: 2020-08-21. Review status: criteria provided, single submitter. Criteria: Ambry Variant Classification Scheme 2023. Collection method: clinical testing. Allele origin: germline.